The following is an entry in ClinVar:

NM_004525.3(LRP2):c.2647C>T (p.Arg883Ter)

Gene: LRP2 (LDL receptor related protein 2; minus strand). Cytogenetic location: 2q31.1.
Variant type: single nucleotide variant.
Coding change: c.2647C>T on transcript NM_004525.3 (MANE Select); coding-DNA position 2647, C replaced by T.
Protein change: p.Arg883Ter; replaces arginine 883 with a stop codon.
Molecular consequence: nonsense.
Genome position (GRCh38, 1-based): chr2:169,256,229, G>A on the plus strand (C>T on the coding strand, the complement: LRP2 is on the minus strand). VCF-style: chr2-169256229-G-A. GRCh37 (hg19) VCF-style: chr2-170112739-G-A.
Other names: short protein forms R883*.
Identifiers: ClinVar variation 4882095 (VCV004882095.3).
Genomic context (GRCh38, chr2:169,256,229, plus strand): 5'-CTAAACCATCAAAGGTGCTGTGCTCAATTTTATCAAAATAGGCATCTACCCAGTACAATC[G>A]TGAAGCACTAAAATAATAAAATATTTAGTTATCTCTTATCCAAAAACTATCAGAGCACCC-3'

ClinVar aggregate classification (germline): Pathogenic/Likely pathogenic. Review status: criteria provided, multiple submitters, no conflicts (2 of 4 stars). 2 submissions from 2 submitters: Pathogenic (1); Likely pathogenic (1). Last evaluated 2025-08-04.

Conditions:
Donnai-Barrow syndrome. Also called: DBS/FOAR SYNDROME; FACIOOCULOACOUSTICORENAL SYNDROME. Identifiers: Orphanet 2143, MedGen C1857277, MONDO:0009104, OMIM 222448.

gnomAD v4.1: 3 of 1,611,646 alleles (0.00019%); highest among the groups gnomAD compares: Non-Finnish European, 0.00025%; no homozygotes.

Submissions (2):

Myriad Genetics, Inc.
Classification: Pathogenic for Donnai-Barrow syndrome. Last evaluated: 2025-08-04. Review status: criteria provided, single submitter. Criteria: Myriad Autosomal Dominant, Autosomal Recessive and X-Linked Classification Criteria (2023). Collection method: clinical testing. Allele origin: unknown.
Comment: NM_004525.2(LRP2):c.2647C>T(R883*) is expected to be pathogenic in the context of Donnai-Barrow syndrome. This variant is predicted to lead to an abnormal or absent protein product due to the creation of a premature termination codon in LRP2, a gene where loss-of-function variants are known to be pathogenic. Please note: this variant was assessed in the context of healthy population screening.

Dasa
Classification: Likely pathogenic for Donnai-Barrow syndrome. Last evaluated: 2024-10-22. Review status: criteria provided, single submitter. Criteria: DASA Assertion Criteria. Collection method: clinical testing. Allele origin: germline.
Comment: NM_004525.3(LRP2):c.2647C>T (p.Arg883*) is a nonsense variant in LRP2 predicted to introduce a premature termination codon and is predicted to result in an absent or altered protein product. Loss of function is an established disease mechanism for LRP2-associated disorders. Also, this variant is rare in population databases. Based on the currently available evidence, this variant is classified as likely pathogenic.